The following is an entry in ClinVar:

ClinVar aggregate classification (germline): Uncertain significance (1 of 4 stars; one submission).

Conditions:
Long QT syndrome (LQTS). Identifiers: MedGen C0023976, MeSH D008133, MONDO:0002442. Disease mechanism: loss of function. Inheritance: Various modes of inheritance.

Submission:

Labcorp Genetics (formerly Invitae), Labcorp
Classification: Uncertain significance for Long QT syndrome. Last evaluated: 2023-12-06. Review status: criteria provided, single submitter. Criteria: Invitae Variant Classification Sherloc (09022015). Collection method: clinical testing. Allele origin: germline.
Comment: This variant, c.3087_3092del, results in the deletion of 2 amino acid(s) of the KCNH2 protein (p.Pro1030_Gly1031del), but otherwise preserves the integrity of the reading frame. This variant is not present in population databases (gnomAD no frequency). This variant has not been reported in the literature in individuals affected with KCNH2-related conditions. ClinVar contains an entry for this variant (Variation ID: 1376987). Experimental studies and prediction algorithms are not available or were not evaluated, and the functional significance of this variant is currently unknown. In summary, the available evidence is currently insufficient to determine the role of this variant in disease. Therefore, it has been classified as a Variant of Uncertain Significance.

NM_000238.4(KCNH2):c.3087_3092del (p.Pro1030_Gly1031del)

Gene: KCNH2 (potassium voltage-gated channel subfamily H member 2; minus strand). Cytogenetic location: 7q36.1.
Variant type: Deletion.
Coding change: c.3087_3092del on transcript NM_000238.4 (MANE Select); coding-DNA positions 3087 to 3092, 6 bases deleted (CCCGGG; older notation c.3087_3092delCCCGGG).
Protein change: p.Pro1030_Gly1031del.
Molecular consequence: inframe deletion.
Genome position (GRCh38, 1-based): chr7:150,947,388-150,947,393, CCCGGG deleted on the plus strand (CCCGGG on the coding strand, the reverse complement: KCNH2 is on the minus strand); deleting any 6 consecutive bases within chr7:150,947,388-150,947,394 gives the same sequence; the c. name uses the placement nearest the transcript's 3' end. VCF-style (leftmost placement, unchanged base first): chr7-150947387-ACCCGGG-A. GRCh37 (hg19) VCF-style: chr7-150644475-ACCCGGG-A.
Other names: c.2067_2072del, p.Pro690_Gly691del (NM_172057.3).
Identifiers: ClinVar variation 1376987 (VCV001376987.6), dbSNP rs2116929131, ClinGen allele CA2573141846.